The following is an entry in ClinVar:

ClinVar aggregate classification (germline): Conflicting classifications of pathogenicity. Review status: criteria provided, conflicting classifications (1 of 4 stars). 7 submissions from 7 submitters: Uncertain significance (6); Likely benign (1). Last evaluated 2026-03-27.

Conditions:
FLNC-related disorder. Also called: FLNC-related condition; FLNC-related disorders.
Hypertrophic cardiomyopathy 26. Also called: Cardiomyopathy, familial hypertrophic, 26. Identifiers: Orphanet 75249, MedGen C4310749, MONDO:0014883, OMIM 617047.
Distal myopathy with posterior leg and anterior hand involvement. Also called: WILLIAMS DISTAL MYOPATHY. Identifiers: Orphanet 63273, MedGen C3279722, MONDO:0013550, OMIM 614065.
Myofibrillar myopathy 5. Also called: Filaminopathy (type); FILAMINOPATHY, AUTOSOMAL DOMINANT. Identifiers: Orphanet 171445, MedGen C1836050, MONDO:0012289, OMIM 609524.
Cardiovascular phenotype. Identifiers: MedGen CN230736.

Allele frequency attached by ClinVar (database versions not stated): ExAC 0.00002; TOPMed 0.00002; gnomAD 0.00004; gnomAD exomes 0.00004 and 0.00007; 1000 Genomes Project 0.00020; 1000 Genomes Project 30x 0.00031.
gnomAD v4.1: 101 of 1,614,186 alleles (0.0063%); highest among the groups gnomAD compares: Admixed American, 0.0083%; no homozygotes.

Submissions (7):

Molecular Diagnostic Laboratory for Inherited Cardiovascular Disease, Montreal Heart Institute
Classification: Uncertain significance for Cardiovascular phenotype. Last evaluated: 2026-03-27. Review status: criteria provided, single submitter. Criteria: ACMG Guidelines, 2015. Collection method: clinical testing. Allele origin: germline. Affected: yes.

Labcorp Genetics (formerly Invitae), Labcorp
Classification: Likely benign for Distal myopathy with posterior leg and anterior hand involvement; Myofibrillar myopathy 5; Hypertrophic cardiomyopathy 26. Last evaluated: 2025-11-17. Review status: criteria provided, single submitter. Criteria: Invitae Variant Classification Sherloc (09022015). Collection method: clinical testing. Allele origin: germline.

PreventionGenetics, part of Exact Sciences
Classification: Uncertain significance for FLNC-related condition. Last evaluated: 2025-09-11. Review status: criteria provided, single submitter. Criteria: ACMG Guidelines, 2015. Collection method: clinical testing. Allele origin: germline.
Comment: The FLNC c.4771C>T variant is predicted to result in the amino acid substitution p.Arg1591Trp. This variant has been reported as a variant of uncertain significance in individuals with hypertrophic cardiomyopathy (Table S2, Bonaventura et al. 2024. PubMed ID: 38757491; Table S2, Horgan et al. 2025. PubMed ID: 39694818). This variant is reported in 0.0065% of alleles in individuals of South Asian descent in gnomAD. At this time, the clinical significance of this variant is uncertain due to the absence of conclusive functional and genetic evidence.

Ambry Genetics
Classification: Uncertain significance for Cardiovascular phenotype. Last evaluated: 2025-02-12. Review status: criteria provided, single submitter. Criteria: Ambry Variant Classification Scheme 2023. Collection method: clinical testing. Allele origin: germline.
Comment: The p.R1591W variant (also known as c.4771C>T), located in coding exon 28 of the FLNC gene, results from a C to T substitution at nucleotide position 4771. The arginine at codon 1591 is replaced by tryptophan, an amino acid with dissimilar properties. This variant was reported in individual(s) with features consistent with hypertrophic cardiomyopathy (Bonaventura J et al. J Am Heart Assoc. 2024 May;13(10):e033565). This amino acid position is conserved. In addition, the in silico prediction for this alteration is inconclusive. Since supporting evidence is limited at this time, the clinical significance of this alteration remains unclear.

Revvity Omics, Revvity
Classification: Uncertain significance. Last evaluated: 2025-01-15. Review status: criteria provided, single submitter. Criteria: ACMG Guidelines, 2015. Collection method: clinical testing. Allele origin: germline.

Blueprint Genetics
Classification: Uncertain significance. Last evaluated: 2023-12-08. Review status: criteria provided, single submitter. Criteria: ACMG Guidelines, 2015. Collection method: clinical testing. Allele origin: germline.

GeneDx
Classification: Uncertain significance. Last evaluated: 2023-01-06. Review status: criteria provided, single submitter. Criteria: GeneDx Variant Classification Process June 2021. Collection method: clinical testing. Allele origin: germline. Affected: yes.
Comment: Has not been previously published as pathogenic or benign to our knowledge; In silico analysis supports that this missense variant has a deleterious effect on protein structure/function

Literature cited by the submitters: PubMed 38757491 (cited by Ambry Genetics).

NM_001458.5(FLNC):c.4771C>T (p.Arg1591Trp)

Gene: FLNC (filamin C; plus strand). Cytogenetic location: 7q32.1.
Variant type: single nucleotide variant.
Coding change: c.4771C>T on transcript NM_001458.5 (MANE Select); coding-DNA position 4771, C replaced by T.
Protein change: p.Arg1591Trp; replaces arginine 1591 with tryptophan.
Molecular consequence: missense variant.
Genome position (GRCh38, 1-based): chr7:128,848,826, C>T. VCF-style: chr7-128848826-C-T. GRCh37 (hg19) VCF-style: chr7-128488880-C-T.
Other names: c.4771C>T, p.Arg1591Trp (NM_001127487.2); short protein forms R1591W.
Identifiers: ClinVar variation 573552 (VCV000573552.17), dbSNP rs576453637, ClinGen allele CA4475455.